The following is an entry in ClinVar:

ClinVar aggregate classification (germline): Uncertain significance (0 of 4 stars; one submission).

Conditions:
Prostate cancer. Also called: Malignant tumor of prostate. Identifiers: Orphanet 1331, MedGen C0376358, MONDO:0008315, HP:0012125.

Allele frequency attached by ClinVar (database versions not stated): ExAC 0.00002; gnomAD exomes 0.00001.
gnomAD v4.1: 15 of 1,211,448 alleles (0.0012%); highest among the groups gnomAD compares: South Asian, 0.0018%; no homozygotes.

Submission:

Science for Life laboratory,  Karolinska Institutet
Classification: Uncertain significance for Malignant tumor of prostate. Review status: no assertion criteria provided. Collection method: not provided. Allele origin: somatic.
Comment: TumorID:SWE-17
ClinVar note: Converted during submission from Unknown to Uncertain significance.

NM_015419.4(MXRA5):c.5788G>A (p.Ala1930Thr)

Gene: MXRA5 (matrix remodeling associated 5; minus strand). Cytogenetic location: Xp22.33.
Variant type: single nucleotide variant.
Coding change: c.5788G>A on transcript NM_015419.4 (MANE Select); coding-DNA position 5788, G replaced by A.
Protein change: p.Ala1930Thr; replaces alanine 1930 with threonine.
Molecular consequence: missense variant.
Genome position (GRCh38, 1-based): chrX:3,317,893, C>T on the plus strand (G>A on the coding strand, the complement: MXRA5 is on the minus strand). VCF-style: chrX-3317893-C-T. GRCh37 (hg19) VCF-style: chrX-3235934-C-T.
Other names: short protein forms A1930T.
Identifiers: ClinVar variation 161694 (VCV000161694.2), dbSNP rs193920874, ClinGen allele CA174610.